The following is an entry in ClinVar:

NM_172364.5(CACNA2D4):c.2722-3C>T

Gene: CACNA2D4 (calcium voltage-gated channel auxiliary subunit alpha2delta 4; minus strand). Cytogenetic location: 12p13.33.
Variant type: single nucleotide variant.
Coding change: c.2722-3C>T on transcript NM_172364.5 (MANE Select); 3 bases into the intron before coding-DNA position 2722, C replaced by T.
Molecular consequence: intron variant.
Genome position (GRCh38, 1-based): chr12:1,801,647, G>A on the plus strand (C>T on the coding strand, the complement: CACNA2D4 is on the minus strand). VCF-style: chr12-1801647-G-A. GRCh37 (hg19) VCF-style: chr12-1910813-G-A.
Identifiers: ClinVar variation 4776545 (VCV004776545.1).

ClinVar aggregate classification (germline): Uncertain significance (1 of 4 stars; one submission).

Submission:

Labcorp Genetics (formerly Invitae), Labcorp
Classification: Uncertain significance. Last evaluated: 2025-04-22. Review status: criteria provided, single submitter. Criteria: Invitae Variant Classification Sherloc (09022015). Collection method: clinical testing. Allele origin: germline.
Comment: This sequence change falls in intron 29 of the CACNA2D4 gene. It does not directly change the encoded amino acid sequence of the CACNA2D4 protein. It affects a nucleotide within the consensus splice site. This variant is not present in population databases (gnomAD no frequency). This variant has not been reported in the literature in individuals affected with CACNA2D4-related conditions. Variants that disrupt the consensus splice site are a relatively common cause of aberrant splicing (PMID: 17576681, 9536098). Algorithms developed to predict the effect of sequence changes on RNA splicing suggest that this variant is not likely to affect RNA splicing. In summary, the available evidence is currently insufficient to determine the role of this variant in disease. Therefore, it has been classified as a Variant of Uncertain Significance.

Literature cited by the submitters: PubMed 17576681; PubMed 9536098.